The following is an entry in ClinVar:

NM_000540.3(RYR1):c.14173-3C>A

Gene: RYR1 (ryanodine receptor 1; plus strand). Cytogenetic location: 19q13.2.
Variant type: single nucleotide variant.
Coding change: c.14173-3C>A on transcript NM_000540.3 (MANE Select); 3 bases into the intron before coding-DNA position 14173, C replaced by A.
Molecular consequence: intron variant.
Genome position (GRCh38, 1-based): chr19:38,577,915, C>A. VCF-style: chr19-38577915-C-A. GRCh37 (hg19) VCF-style: chr19-39068555-C-A.
Other names: c.14158-3C>A (NM_001042723.2).
Identifiers: ClinVar variation 3074344 (VCV003074344.1), dbSNP rs1489982322, ClinGen allele CA632876356.

ClinVar aggregate classification (germline): Uncertain significance (1 of 4 stars; one submission).

Conditions:
Malignant hyperthermia, susceptibility to, 1 (MHS1). Also called: Anesthesia related hyperthermia; Malignant hyperpyrexia; Fulminating hyperpyrexia; Pharmacogenic myopathy; RYR1-Related Malignant Hyperthermia Susceptibility; Malignant hyperthermia suceptibility 1. Identifiers: Orphanet 423, MedGen C2930980, MONDO:0007783, OMIM 145600.

Allele frequency attached by ClinVar (database versions not stated): gnomAD exomes below 0.00001.
gnomAD v4.1: 1 of 1,614,098 alleles (0.000062%); highest among the groups gnomAD compares: Admixed American, 0.0017%; no homozygotes.

Submission:

All of Us Research Program, National Institutes of Health
Classification: Uncertain significance for Malignant hyperthermia, susceptibility to, 1. Last evaluated: 2023-11-02. Review status: criteria provided, single submitter. Criteria: ACMG Guidelines, 2015. Collection method: clinical testing. Allele origin: germline. Inheritance: Autosomal dominant inheritance. Observed: 1 variant allele, 1 heterozygote.
Comment: This variant causes a C to A nucleotide substitution at the -3 position of intron 97 of the RYR1 gene. To our knowledge, functional studies have not been reported for this variant. This variant has not been reported in individuals affected with RYR1-related disorders in the literature. This variant has been identified in 1/251312 chromosomes in the general population by the Genome Aggregation Database (gnomAD). The available evidence is insufficient to determine the role of this variant in disease conclusively. Therefore, this variant is classified as a Variant of Uncertain Significance.

This study involves interpretation of variants in research participants for the purpose of population health screening. Participant phenotype was not available at the time of variant classification. Additional details can be found in publication PMID: 35346344, PMCID: PMC8962531